The following is an entry in ClinVar:

ClinVar aggregate classification (germline): Uncertain significance (1 of 4 stars; one submission).

Submission:

Labcorp Genetics (formerly Invitae), Labcorp
Classification: Uncertain significance. Last evaluated: 2023-08-17. Review status: criteria provided, single submitter. Criteria: Invitae Variant Classification Sherloc (09022015). Collection method: clinical testing. Allele origin: germline.
Comment: This sequence change replaces histidine, which is basic and polar, with asparagine, which is neutral and polar, at codon 735 of the TMTC3 protein (p.His735Asn). This variant is not present in population databases (gnomAD no frequency). This variant has not been reported in the literature in individuals affected with TMTC3-related conditions. ClinVar contains an entry for this variant (Variation ID: 1525424). An algorithm developed to predict the effect of missense changes on protein structure and function (PolyPhen-2) suggests that this variant is likely to be disruptive. In summary, the available evidence is currently insufficient to determine the role of this variant in disease. Therefore, it has been classified as a Variant of Uncertain Significance.

NM_181783.4(TMTC3):c.2203C>A (p.His735Asn)

Gene: TMTC3 (transmembrane O-mannosyltransferase targeting cadherins 3; plus strand). Cytogenetic location: 12q21.32.
Variant type: single nucleotide variant.
Coding change: c.2203C>A on transcript NM_181783.4 (MANE Select); coding-DNA position 2203, C replaced by A.
Protein change: p.His735Asn; replaces histidine 735 with asparagine.
Molecular consequence: missense variant. On other transcripts: non-coding transcript variant (1).
Genome position (GRCh38, 1-based): chr12:88,195,107, C>A. VCF-style: chr12-88195107-C-A. GRCh37 (hg19) VCF-style: chr12-88588884-C-A.
Other names: c.2023C>A, p.His675Asn (NM_001366574.1); c.1984C>A, p.His662Asn (NM_001366579.1); c.1936C>A, p.His646Asn (NM_001366580.1); c.1510C>A, p.His504Asn (NM_001366583.1); short protein forms H504N, H735N, H646N, H675N, H662N.
Identifiers: ClinVar variation 1525424 (VCV001525424.4), dbSNP rs757070278, ClinGen allele CA386119202.
Genomic context (GRCh38, chr12:88,195,107, plus strand): 5'-ACTGCAAAGGAATTAAAGGCTTTGCCAATTTTGGAGGAGTTACTCAGATACTACCCTGAT[C>A]ATATCAAGGGCCTCATTTTAAAAGGAGACATTCTGATGAATCAAAAGAAAGATATACTAG-3'
Protein context (NP_861448.2, residues 725-745): LEELLRYYPD[His735Asn]IKGLILKGDI